The following is an entry in ClinVar:

NM_004727.3(SLC24A1):c.1233C>T (p.Leu411=)

Gene: SLC24A1 (solute carrier family 24 member 1; plus strand). Cytogenetic location: 15q22.31.
Variant type: single nucleotide variant.
Coding change: c.1233C>T on transcript NM_004727.3 (MANE Select); coding-DNA position 1233, C replaced by T.
Protein change: p.Leu411=; no amino-acid change (leucine 411 retained).
Molecular consequence: synonymous variant.
Genome position (GRCh38, 1-based): chr15:65,625,313, C>T. VCF-style: chr15-65625313-C-T. GRCh37 (hg19) VCF-style: chr15-65917651-C-T.
Other names: c.1233C>T, p.Leu411= (NM_001301031.1, NM_001301032.1, NM_001301033.2 and 1 more transcripts); c.1233C>T (NM_004727.2).
Identifiers: ClinVar variation 2962893 (VCV002962893.4), dbSNP rs753449301, ClinGen allele CA7619867.
Genomic context (GRCh38, chr15:65,625,313, plus strand): 5'-CCATCACTGTGTGGTTGTGAAGCCAACCCCAGCCATGCTCACCACTCCCTCCCCAAGCCT[C>T]ACAACAGCCCTGCTCCCAGAGGAGCTCAGTCCTAGTCCCTCAGTGCTGCCTCCCAGCTTG-3'
Protein context (NP_004718.1, residues 401-421): PAMLTTPSPS[Leu411=]TTALLPEELS

ClinVar aggregate classification (germline): Likely benign. Review status: criteria provided, multiple submitters, no conflicts (2 of 4 stars). 2 submissions from 2 submitters: Likely benign (2). Last evaluated 2025-04-25.

Conditions:
SLC24A1-related disorder. Also called: SLC24A1-related condition.

Allele frequency attached by ClinVar (database versions not stated): TOPMed 0.00001.
gnomAD v4.1: 10 of 1,614,012 alleles (0.00062%); highest among the groups gnomAD compares: South Asian, 0.0066%; no homozygotes.

Submissions (2):

PreventionGenetics, part of Exact Sciences
Classification: Likely benign for SLC24A1-related condition. Last evaluated: 2025-04-25. Review status: criteria provided, single submitter. Criteria: ACMG Guidelines, 2015. Collection method: clinical testing. Allele origin: germline.
Comment: This variant is classified as likely benign based on ACMG/AMP sequence variant interpretation guidelines (Richards et al. 2015 PMID: 25741868, with internal and published modifications).

Labcorp Genetics (formerly Invitae), Labcorp
Classification: Likely benign. Last evaluated: 2024-12-27. Review status: criteria provided, single submitter. Criteria: Invitae Variant Classification Sherloc (09022015). Collection method: clinical testing. Allele origin: germline.